The following is an entry in ClinVar:

ClinVar aggregate classification (germline): Uncertain significance (1 of 4 stars; one submission).

gnomAD v4.1: 1 of 1,209,984 alleles (0.000083%); highest among the groups gnomAD compares: Non-Finnish European, 0.00011%; no homozygotes.

Submission:

GeneDx
Classification: Uncertain significance. Last evaluated: 2025-02-06. Review status: criteria provided, single submitter. Criteria: GeneDx Variant Classification Process June 2021. Collection method: clinical testing. Allele origin: germline. Affected: yes.
Comment: In silico analysis supports that this missense variant has a deleterious effect on protein structure/function; Has not been previously published as pathogenic or benign to our knowledge

NM_001039591.3(USP9X):c.3287A>G (p.Tyr1096Cys)

Gene: USP9X (ubiquitin specific peptidase 9 X-linked; plus strand). Cytogenetic location: Xp11.4.
Variant type: single nucleotide variant.
Coding change: c.3287A>G on transcript NM_001039591.3 (MANE Select); coding-DNA position 3287, A replaced by G.
Protein change: p.Tyr1096Cys; replaces tyrosine 1096 with cysteine.
Molecular consequence: missense variant.
Genome position (GRCh38, 1-based): chrX:41,184,404, A>G. VCF-style: chrX-41184404-A-G. GRCh37 (hg19) VCF-style: chrX-41043657-A-G.
Other names: c.3287A>G, p.Tyr1096Cys (NM_001039590.3); c.3302A>G, p.Tyr1101Cys (NM_001410748.1, NM_001410749.1, NM_001437534.1); short protein forms Y1096C, Y1101C.
Identifiers: ClinVar variation 4074659 (VCV004074659.1).